The following is an entry in ClinVar:

ClinVar aggregate classification (germline): Uncertain significance (1 of 4 stars; one submission).

Conditions:
Ataxia-telangiectasia syndrome (AT). Also called: LOUIS-BAR SYNDROME; Ataxia-telangiectasia, complementation group E; Ataxia-telangiectasia, complementation group D; AT, COMPLEMENTATION GROUP C; Ataxia telangiectasia (A-T); Cerebello-oculocutaneous telangiectasia. Identifiers: Orphanet 100, MedGen C0004135, MONDO:0008840, OMIM 208900.

Submission:

Labcorp Genetics (formerly Invitae), Labcorp
Classification: Uncertain significance for Ataxia-telangiectasia syndrome. Last evaluated: 2024-09-02. Review status: criteria provided, single submitter. Criteria: Invitae Variant Classification Sherloc (09022015). Collection method: clinical testing. Allele origin: germline.
Comment: This sequence change replaces phenylalanine, which is neutral and non-polar, with valine, which is neutral and non-polar, at codon 283 of the ATM protein (p.Phe283Val). This variant is not present in population databases (gnomAD no frequency). This variant has not been reported in the literature in individuals affected with ATM-related conditions. ClinVar contains an entry for this variant (Variation ID: 646538). An algorithm developed to predict the effect of missense changes on protein structure and function (PolyPhen-2) suggests that this variant is likely to be tolerated. In summary, the available evidence is currently insufficient to determine the role of this variant in disease. Therefore, it has been classified as a Variant of Uncertain Significance.

NM_000051.4(ATM):c.847T>G (p.Phe283Val)

Gene: ATM (ATM serine/threonine kinase; plus strand). Cytogenetic location: 11q22.3.
Variant type: single nucleotide variant.
Coding change: c.847T>G on transcript NM_000051.4 (MANE Select); coding-DNA position 847, T replaced by G.
Protein change: p.Phe283Val; replaces phenylalanine 283 with valine.
Molecular consequence: missense variant.
Genome position (GRCh38, 1-based): chr11:108,244,972, T>G. VCF-style: chr11-108244972-T-G. GRCh37 (hg19) VCF-style: chr11-108115699-T-G.
Other names: c.847T>G, p.Phe283Val (NM_001351834.2); short protein forms F283V.
Identifiers: ClinVar variation 646538 (VCV000646538.8), dbSNP rs1591504549, ClinGen allele CA382529472.